The following is an entry in ClinVar:

NM_182894.3(VSX2):c.967A>G (p.Thr323Ala)

Gene: VSX2 (visual system homeobox 2; plus strand). Cytogenetic location: 14q24.3.
Variant type: single nucleotide variant.
Coding change: c.967A>G on transcript NM_182894.3 (MANE Select); coding-DNA position 967, A replaced by G.
Protein change: p.Thr323Ala; replaces threonine 323 with alanine.
Molecular consequence: missense variant.
Genome position (GRCh38, 1-based): chr14:74,260,800, A>G. VCF-style: chr14-74260800-A-G. GRCh37 (hg19) VCF-style: chr14-74727503-A-G.
Other names: short protein forms T323A.
Identifiers: ClinVar variation 1958210 (VCV001958210.2), dbSNP rs543311043, ClinGen allele CA7266505.
Genomic context (GRCh38, chr14:74,260,800, plus strand): 5'-GAGAACAGCATTGCGGTGCTCCGGGCCAAAGCTCAGGAGCACAGCACCAAAGTGCTGGGG[A>G]CTGTGTCTGGGCCGGACAGCCTGGCCCGGAGTACCGAGAAGCCAGAGGAGGAGGAGGCCA-3'
Protein context (NP_878314.1, residues 313-333): AQEHSTKVLG[Thr323Ala]VSGPDSLARS

ClinVar aggregate classification (germline): Uncertain significance (1 of 4 stars; one submission).

Conditions:
Isolated microphthalmia 2. Identifiers: Orphanet 2542, MedGen C1864720, MONDO:0012409, OMIM 610093.

Allele frequency attached by ClinVar (database versions not stated): gnomAD exomes 0.00008; gnomAD 0.00011; TOPMed 0.00012; 1000 Genomes Project 30x 0.00016; 1000 Genomes Project 0.00020; ExAC 0.00027.
gnomAD v4.1: 146 of 1,573,502 alleles (0.0093%); highest among the groups gnomAD compares: Middle Eastern, 0.13%; 2 homozygotes.

Submission:

Labcorp Genetics (formerly Invitae), Labcorp
Classification: Uncertain significance for Isolated microphthalmia 2. Last evaluated: 2021-08-31. Review status: criteria provided, single submitter. Criteria: Invitae Variant Classification Sherloc (09022015). Collection method: clinical testing. Allele origin: germline.
Comment: This sequence change replaces threonine with alanine at codon 323 of the VSX2 protein (p.Thr323Ala). The threonine residue is highly conserved and there is a small physicochemical difference between threonine and alanine. This variant is present in population databases (rs543311043, ExAC 0.09%). This variant has not been reported in the literature in individuals affected with VSX2-related conditions. Algorithms developed to predict the effect of missense changes on protein structure and function are either unavailable or do not agree on the potential impact of this missense change (SIFT: "Deleterious"; PolyPhen-2: "Benign"; Align-GVGD: "Class C0"). In summary, the available evidence is currently insufficient to determine the role of this variant in disease. Therefore, it has been classified as a Variant of Uncertain Significance.